The following is an entry in ClinVar:

ClinVar aggregate classification (germline): Likely benign. Review status: criteria provided, single submitter (1 of 4 stars). 4 submissions from 4 submitters: Likely benign (1). 3 of the submissions do not count toward it. Last evaluated 2024-09-18.

Allele frequency attached by ClinVar (database versions not stated): gnomAD 0.00001 and 0.00010; TOPMed 0.00005; 1000 Genomes Project 30x 0.00062; gnomAD exomes 0.00075; 1000 Genomes Project 0.00080; ExAC 0.00081.
gnomAD v4.1: 528 of 1,611,188 alleles (0.033%); highest among the groups gnomAD compares: South Asian, 0.48%; 3 homozygotes.

Submissions (4):

Blueprint Genetics
Classification: Likely benign. Last evaluated: 2024-09-18. Review status: criteria provided, single submitter. Criteria: ACMG Guidelines, 2015. Collection method: clinical testing. Allele origin: germline.

Clinical Genetics DNA and cytogenetics Diagnostics Lab, Erasmus MC, Erasmus Medical Center
Classification: Likely benign. Review status: no assertion criteria provided. Collection method: clinical testing. Allele origin: germline. Affected: yes. Study: VKGL Data-share Consensus. Not counted in ClinVar's aggregate classification.

Department of Pathology and Laboratory Medicine, Sinai Health System
Classification: Benign. Review status: no assertion criteria provided. Collection method: clinical testing. Allele origin: unknown. Affected: yes. Study: The Canadian Open Genetics Repository (COGR). Not counted in ClinVar's aggregate classification.
Comment: The PKD1 p.Thr1338= variant was not identified in the literature nor was it identified in the ClinVar, Genesight-COGR, LOVD 3.0, and PKD1-LOVD. The variant was identified in dbSNP (ID: rs577199866) as â€šÃ„ÃºNAâ€šÃ„Ã¹, ADPKD Mutation Database (as likely neutral) and in control databases in 185 (1 homozygous) of 243472 chromosomes at a frequency of 0.0008 increasing the likelihood this could be a low frequency benign variant (Genome Aggregation Database Feb 27, 2017). Breakdown of the observations by population include African in 1 of 15070 chromosomes (freq: 0.00007), Other in 3 of 5420 chromosomes (freq: 0.0006), European Non-Finnish in 4 of 109578 chromosomes (freq: 0.00004), East Asian in 3 of 17180 chromosomes (freq: 0.0002), and South Asian in 174 (1 homozygous) of 30764 chromosomes (freq: 0.006) while not observed in the Latino, Ashkenazi Jewish, and European Finnish populations. In addition we cannot be certain that data from control databases is specific to PKD1 and not from one of the six PKD1 pseudogenes. The p.Thr1338= variant is not expected to have clinical significance because it does not result in a change of amino acid and is not located in a known consensus splice site. In summary, based on the above information this variant meets our laboratory's criteria to be classified as benign.

Laboratory of Diagnostic Genome Analysis, Leiden University Medical Center (LUMC)
Classification: Likely benign. Review status: no assertion criteria provided. Collection method: clinical testing. Allele origin: germline. Affected: yes. Study: VKGL Data-share Consensus. Not counted in ClinVar's aggregate classification.

NM_001009944.3(PKD1):c.4014C>T (p.Thr1338=)

Gene: PKD1 (polycystin 1, transient receptor potential channel interacting; minus strand). Cytogenetic location: 16p13.3.
Variant type: single nucleotide variant.
Coding change: c.4014C>T on transcript NM_001009944.3 (MANE Select); coding-DNA position 4014, C replaced by T.
Protein change: p.Thr1338=; no amino-acid change (threonine 1338 retained).
Molecular consequence: synonymous variant.
Genome position (GRCh38, 1-based): chr16:2,111,153, G>A on the plus strand (C>T on the coding strand, the complement: PKD1 is on the minus strand). VCF-style: chr16-2111153-G-A. GRCh37 (hg19) VCF-style: chr16-2161154-G-A.
Other names: c.4014C>T, p.Thr1338= (NM_000296.4).
Identifiers: ClinVar variation 1049027 (VCV001049027.4), dbSNP rs577199866, ClinGen allele CA7832529.